The following is an entry in ClinVar:

NM_001367624.2(ZNF469):c.11281A>G (p.Thr3761Ala)

Gene: ZNF469 (zinc finger protein 469; plus strand). Cytogenetic location: 16q24.2.
Variant type: single nucleotide variant.
Coding change: c.11281A>G on transcript NM_001367624.2 (MANE Select); coding-DNA position 11281, A replaced by G.
Protein change: p.Thr3761Ala; replaces threonine 3761 with alanine.
Molecular consequence: missense variant.
Genome position (GRCh38, 1-based): chr16:88,438,751, A>G. VCF-style: chr16-88438751-A-G. GRCh37 (hg19) VCF-style: chr16-88505159-A-G.
Other names: NM_001127464.1:c.11197A>G; short protein forms T3761A.
Identifiers: ClinVar variation 1448015 (VCV001448015.8), dbSNP rs2142317382, ClinGen allele CA397129597.

ClinVar aggregate classification (germline): Uncertain significance. Review status: criteria provided, multiple submitters, no conflicts (2 of 4 stars). 2 submissions from 2 submitters: Uncertain significance (2). Last evaluated 2022-06-27.

Conditions:
Cardiovascular phenotype. Identifiers: MedGen CN230736.

Allele frequency attached by ClinVar (database versions not stated): gnomAD exomes below 0.00001.
gnomAD v4.1: 2 of 1,549,980 alleles (0.00013%); highest among the groups gnomAD compares: Non-Finnish European, 0.00017%; no homozygotes.

Submissions (2):

Labcorp Genetics (formerly Invitae), Labcorp
Classification: Uncertain significance. Last evaluated: 2022-06-27. Review status: criteria provided, single submitter. Criteria: Invitae Variant Classification Sherloc (09022015). Collection method: clinical testing. Allele origin: germline.
Comment: This variant is not present in population databases (gnomAD no frequency). This sequence change replaces threonine, which is neutral and polar, with alanine, which is neutral and non-polar, at codon 3733 of the ZNF469 protein (p.Thr3733Ala). This variant has not been reported in the literature in individuals affected with ZNF469-related conditions. In summary, the available evidence is currently insufficient to determine the role of this variant in disease. Therefore, it has been classified as a Variant of Uncertain Significance. Algorithms developed to predict the effect of missense changes on protein structure and function output the following: SIFT: "Tolerated"; PolyPhen-2: "Benign"; Align-GVGD: "Class C0". The alanine amino acid residue is found in multiple mammalian species, which suggests that this missense change does not adversely affect protein function.

Ambry Genetics
Classification: Uncertain significance for Cardiovascular phenotype. Last evaluated: 2019-12-15. Review status: criteria provided, single submitter. Criteria: Ambry Variant Classification Scheme 2023. Collection method: clinical testing. Allele origin: germline.
Comment: The p.T3733A variant (also known as c.11197A>G), located in coding exon 2 of the ZNF469 gene, results from an A to G substitution at nucleotide position 11197. The threonine at codon 3733 is replaced by alanine, an amino acid with similar properties. This amino acid position is not well conserved in available vertebrate species. In addition, this alteration is predicted to be tolerated by in silico analysis. Since supporting evidence is limited at this time, the clinical significance of this alteration remains unclear.